The following is an entry in ClinVar:

NM_022836.4(DCLRE1B):c.892G>A (p.Val298Ile)

Gene: DCLRE1B (DNA cross-link repair 1B; plus strand). Cytogenetic location: 1p13.2.
Variant type: single nucleotide variant.
Coding change: c.892G>A on transcript NM_022836.4 (MANE Select); coding-DNA position 892, G replaced by A.
Protein change: p.Val298Ile; replaces valine 298 with isoleucine.
Molecular consequence: missense variant.
Genome position (GRCh38, 1-based): chr1:113,911,484, G>A. VCF-style: chr1-113911484-G-A. GRCh37 (hg19) VCF-style: chr1-114454106-G-A.
Other names: c.892G>A, p.Val298Ile (LRG_1219t1, NM_001363690.2); c.514G>A, p.Val172Ile (NM_001319946.2, NM_001319947.2, NM_001363691.2); short protein forms V298I, V172I.
Identifiers: ClinVar variation 577822 (VCV000577822.10), dbSNP rs921843370, ClinGen allele CA28980685.

ClinVar aggregate classification (germline): Uncertain significance (1 of 4 stars; one submission).

Conditions:
Hoyeraal-Hreidarsson syndrome (HHS). Also called: CEREBELLAR HYPOPLASIA WITH PANCYTOPENIA. Identifiers: Orphanet 3322, MedGen C1846142, MONDO:0018045.
Autosomal recessive dyskeratosis congenita. Identifiers: MedGen C3502105.

Allele frequency attached by ClinVar (database versions not stated): gnomAD exomes below 0.00001; gnomAD 0.00001; TOPMed 0.00001.

Submission:

Labcorp Genetics (formerly Invitae), Labcorp
Classification: Uncertain significance for Hoyeraal-Hreidarsson syndrome; Autosomal recessive dyskeratosis congenita. Last evaluated: 2019-07-03. Review status: criteria provided, single submitter. Criteria: Invitae Variant Classification Sherloc (09022015). Collection method: clinical testing. Allele origin: germline.
Comment: This sequence change replaces valine with isoleucine at codon 298 of the DCLRE1B protein (p.Val298Ile). The valine residue is moderately conserved and there is a small physicochemical difference between valine and isoleucine. This variant is not present in population databases (ExAC no frequency). This variant has not been reported in the literature in individuals with DCLRE1B-related disease. Algorithms developed to predict the effect of missense changes on protein structure and function are either unavailable or do not agree on the potential impact of this missense change (SIFT: "Tolerated"; PolyPhen-2: "Probably Damaging"; Align-GVGD: "Class C0"). In summary, the available evidence is currently insufficient to determine the role of this variant in disease. Therefore, it has been classified as a Variant of Uncertain Significance.